The following is an entry in ClinVar:

NM_153460.4(IL17RC):c.105+51G>T

Gene: IL17RC (interleukin 17 receptor C; plus strand). Cytogenetic location: 3p25.3.
Variant type: single nucleotide variant.
Coding change: c.105+51G>T on transcript NM_153460.4 (MANE Select); 51 bases into the intron after coding-DNA position 105, G replaced by T.
Molecular consequence: intron variant. On other transcripts: missense variant (1).
Genome position (GRCh38, 1-based): chr3:9,917,471, G>T. VCF-style: chr3-9917471-G-T. GRCh37 (hg19) VCF-style: chr3-9959155-G-T.
Other names: c.156G>T, p.Leu52Phe (NM_153461.4); c.105+51G>T (NM_001203263.2, NM_001203264.2, NM_001367278.1 and 5 more transcripts); short protein forms L52F.
Identifiers: ClinVar variation 2809817 (VCV002809817.3), dbSNP rs2470070931, ClinGen allele CA351753525.

ClinVar aggregate classification (germline): Uncertain significance (1 of 4 stars; one submission).

Conditions:
Candidiasis, familial, 9 (CANDF9). Identifiers: Orphanet 1334, MedGen C4225324, MONDO:0014642, OMIM 616445.

Submission:

Labcorp Genetics (formerly Invitae), Labcorp
Classification: Uncertain significance for Candidiasis, familial, 9. Last evaluated: 2022-10-27. Review status: criteria provided, single submitter. Criteria: Invitae Variant Classification Sherloc (09022015). Collection method: clinical testing. Allele origin: germline.
Comment: In summary, the available evidence is currently insufficient to determine the role of this variant in disease. Therefore, it has been classified as a Variant of Uncertain Significance. Algorithms developed to predict the effect of missense changes on protein structure and function are either unavailable or do not agree on the potential impact of this missense change (SIFT: "Tolerated"; PolyPhen-2: "Possibly Damaging"; Align-GVGD: "Class C0"). This variant has not been reported in the literature in individuals affected with IL17RC-related conditions. This variant is not present in population databases (gnomAD no frequency). This sequence change replaces leucine, which is neutral and non-polar, with phenylalanine, which is neutral and non-polar, at codon 52 of the IL17RC protein (p.Leu52Phe).